The following is an entry in ClinVar:

ClinVar aggregate classification (germline): Uncertain significance (1 of 4 stars; one submission).

Submission:

Labcorp Genetics (formerly Invitae), Labcorp
Classification: Uncertain significance. Last evaluated: 2025-08-17. Review status: criteria provided, single submitter. Criteria: Invitae Variant Classification Sherloc (09022015). Collection method: clinical testing. Allele origin: germline.
Comment: This sequence change replaces glutamine, which is neutral and polar, with histidine, which is basic and polar, at codon 380 of the LIPG protein (p.Gln380His). This variant is not present in population databases (gnomAD no frequency). This variant has not been reported in the literature in individuals affected with LIPG-related conditions. An algorithm developed to predict the effect of missense changes on protein structure and function (PolyPhen-2) suggests that this variant is likely to be disruptive. In summary, the available evidence is currently insufficient to determine the role of this variant in disease. Therefore, it has been classified as a Variant of Uncertain Significance.

NM_006033.4(LIPG):c.1140G>C (p.Gln380His)

Gene: LIPG (lipase G, endothelial type; plus strand). Cytogenetic location: 18q21.1.
Variant type: single nucleotide variant.
Coding change: c.1140G>C on transcript NM_006033.4 (MANE Select); coding-DNA position 1140, G replaced by C.
Protein change: p.Gln380His; replaces glutamine 380 with histidine.
Molecular consequence: missense variant.
Genome position (GRCh38, 1-based): chr18:49,582,465, G>C. VCF-style: chr18-49582465-G-C. GRCh37 (hg19) VCF-style: chr18-47108835-G-C.
Other names: c.918G>C, p.Gln306His (NM_001308006.2); short protein forms Q306H, Q380H.
Identifiers: ClinVar variation 4763384 (VCV004763384.1).